The following is an entry in ClinVar:

NM_002968.3(SALL1):c.442G>A (p.Ala148Thr)

Gene: SALL1 (spalt like transcription factor 1; minus strand). Cytogenetic location: 16q12.1.
Variant type: single nucleotide variant.
Coding change: c.442G>A on transcript NM_002968.3 (MANE Select); coding-DNA position 442, G replaced by A.
Protein change: p.Ala148Thr; replaces alanine 148 with threonine.
Molecular consequence: missense variant.
Genome position (GRCh38, 1-based): chr16:51,141,780, C>T on the plus strand (G>A on the coding strand, the complement: SALL1 is on the minus strand). VCF-style: chr16-51141780-C-T. GRCh37 (hg19) VCF-style: chr16-51175691-C-T.
Other names: c.151G>A, p.Ala51Thr (NM_001127892.2); short protein forms A51T, A148T.
Identifiers: ClinVar variation 2463948 (VCV002463948.5), dbSNP rs776395704, ClinGen allele CA8053479.

ClinVar aggregate classification (germline): Conflicting classifications of pathogenicity. Review status: criteria provided, conflicting classifications (1 of 4 stars). 2 submissions from 2 submitters: Uncertain significance (1); Likely benign (1). Last evaluated 2024-01-16.

Conditions:
Townes syndrome (TBS). Also called: Townes-Brocks syndrome. Identifiers: Orphanet 857, MedGen C0265246, MeSH C536974, MONDO:0007142.
Inborn genetic diseases. Identifiers: MedGen C0950123, MeSH D030342.

Allele frequency attached by ClinVar (database versions not stated): gnomAD exomes 0.00002; ExAC 0.00003.
gnomAD v4.1: 32 of 1,609,320 alleles (0.002%); highest among the groups gnomAD compares: South Asian, 0.0044%; no homozygotes.

Submissions (2):

Labcorp Genetics (formerly Invitae), Labcorp
Classification: Uncertain significance for Townes syndrome. Last evaluated: 2024-01-16. Review status: criteria provided, single submitter. Criteria: Invitae Variant Classification Sherloc (09022015). Collection method: clinical testing. Allele origin: germline.
Comment: This sequence change replaces alanine, which is neutral and non-polar, with threonine, which is neutral and polar, at codon 148 of the SALL1 protein (p.Ala148Thr). This variant is present in population databases (rs776395704, gnomAD 0.006%). This variant has not been reported in the literature in individuals affected with SALL1-related conditions. ClinVar contains an entry for this variant (Variation ID: 2463948). Advanced modeling of protein sequence and biophysical properties (such as structural, functional, and spatial information, amino acid conservation, physicochemical variation, residue mobility, and thermodynamic stability) performed at Invitae indicates that this missense variant is not expected to disrupt SALL1 protein function with a negative predictive value of 80%. In summary, the available evidence is currently insufficient to determine the role of this variant in disease. Therefore, it has been classified as a Variant of Uncertain Significance.

Ambry Genetics
Classification: Likely benign for Inborn genetic diseases. Last evaluated: 2023-01-10. Review status: criteria provided, single submitter. Criteria: Ambry Variant Classification Scheme 2023. Collection method: clinical testing. Allele origin: germline.